The following is an entry in ClinVar:

ClinVar aggregate classification (germline): Uncertain significance (1 of 4 stars; one submission).

Conditions:
Charcot-Marie-Tooth disease recessive intermediate C. Also called: CHARCOT-MARIE-TOOTH NEUROPATHY, RECESSIVE INTERMEDIATE C. Identifiers: Orphanet 369867, MedGen C3809309, MONDO:0014154, OMIM 615376.
Neuronopathy, distal hereditary motor, autosomal recessive 4. Also called: Autosomal recessive lower motor neuron disease with childhood onset; NEUROPATHY, DISTAL HEREDITARY MOTOR, AUTOSOMAL RECESSIVE 4. Identifiers: Orphanet 206580, MedGen C1970211, MONDO:0012608, OMIM 611067.

Allele frequency attached by ClinVar (database versions not stated): TOPMed below 0.00001.
gnomAD v4.1: 15 of 1,611,726 alleles (0.00093%); highest among the groups gnomAD compares: Admixed American, 0.01%; no homozygotes.

Submission:

Labcorp Genetics (formerly Invitae), Labcorp
Classification: Uncertain significance for Neuronopathy, distal hereditary motor, autosomal recessive 4; Charcot-Marie-Tooth disease recessive intermediate C. Last evaluated: 2018-09-26. Review status: criteria provided, single submitter. Criteria: Invitae Variant Classification Sherloc (09022015). Collection method: clinical testing. Allele origin: germline.
Comment: In summary, the available evidence is currently insufficient to determine the role of this variant in disease. Therefore, it has been classified as a Variant of Uncertain Significance. Algorithms developed to predict the effect of missense changes on protein structure and function output the following: SIFT: "Deleterious"; PolyPhen-2: "Benign"; Align-GVGD: "Class C0". The leucine amino acid residue is found in multiple mammalian species, suggesting that this missense change does not adversely affect protein function. These predictions have not been confirmed by published functional studies and their clinical significance is uncertain. This variant has not been reported in the literature in individuals with PLEKHG5-related disease. This variant is present in population databases (rs776271244, ExAC 0.006%). This sequence change replaces proline with leucine at codon 13 of the PLEKHG5 protein (p.Pro13Leu). The proline residue is highly conserved and there is a moderate physicochemical difference between proline and leucine.

NM_020631.6(PLEKHG5):c.38C>T (p.Pro13Leu)

Genes: PLEKHG5 (pleckstrin homology and RhoGEF domain containing G5; minus strand), LOC126805598 (MED14-independent group 3 enhancer GRCh37_chr1:6536823-6538022; plus strand). Cytogenetic location: 1p36.31.
Variant type: single nucleotide variant.
Coding change: c.38C>T on transcript NM_020631.6 (MANE Select); coding-DNA position 38, C replaced by T.
Protein change: p.Pro13Leu; replaces proline 13 with leucine.
Molecular consequence: missense variant.
Genome position (GRCh38, 1-based): chr1:6,477,534, G>A on the plus strand (C>T on the coding strand, the complement: PLEKHG5 is on the minus strand). VCF-style: chr1-6477534-G-A. GRCh37 (hg19) VCF-style: chr1-6537594-G-A.
Other names: c.149C>T, p.Pro50Leu (NM_001042663.3, NM_001265592.2); c.38C>T, p.Pro13Leu (NM_001042664.2, NM_001042665.2, NM_001265594.3 and 1 more transcripts); c.245C>T, p.Pro82Leu (NM_001265593.2); short protein forms P13L, P82L, P50L.
Identifiers: ClinVar variation 536771 (VCV000536771.8), dbSNP rs776271244, ClinGen allele CA562036.
Genomic context (GRCh38, chr1:6,477,534, plus strand): 5'-GAAACACTGACACAGGAGCTCTGGGGGCCGAGCTGCGGCTCCCGCCTGTGCTCACCTTGT[G>A]GGGGAAGGTCGAAGCGGACATGCCCATCATAATGCATGGTGCTGTGGAACTTGCTGTCAC-3'
Protein context (NP_065682.2, residues 3-23): YDGHVRFDLP[Pro13Leu]QGSVLARNVS